The following is an entry in ClinVar:

NM_007118.4(TRIO):c.7088C>T (p.Ala2363Val)

Gene: TRIO (trio Rho guanine nucleotide exchange factor; plus strand). Cytogenetic location: 5p15.2.
Variant type: single nucleotide variant.
Coding change: c.7088C>T on transcript NM_007118.4 (MANE Select); coding-DNA position 7088, C replaced by T.
Protein change: p.Ala2363Val; replaces alanine 2363 with valine.
Molecular consequence: missense variant. On other transcripts: non-coding transcript variant (1).
Genome position (GRCh38, 1-based): chr5:14,487,716, C>T. VCF-style: chr5-14487716-C-T. GRCh37 (hg19) VCF-style: chr5-14487825-C-T.
Other names: short protein forms A2363V.
Identifiers: ClinVar variation 3347307 (VCV003347307.1).

ClinVar aggregate classification (germline): Uncertain significance (0 of 4 stars; one submission).

Conditions:
TRIO-related disorder. Also called: TRIO-related condition; TRIO-related disorders.

gnomAD v4.1: 1 of 1,442,324 alleles (0.000069%); highest among the groups gnomAD compares: Non-Finnish European, 0.000092%; no homozygotes.

Submission:

PreventionGenetics, part of Exact Sciences
Classification: Uncertain significance for TRIO-related condition. Last evaluated: 2024-05-09. Review status: no assertion criteria provided. Collection method: clinical testing. Allele origin: germline.
Comment: The TRIO c.7088C>T variant is predicted to result in the amino acid substitution p.Ala2363Val. To our knowledge, this variant has not been reported in the literature or in a large population database, indicating this variant is rare. At this time, the clinical significance of this variant is uncertain due to the absence of conclusive functional and genetic evidence.